The following is an entry in ClinVar:

NM_001031710.3(KLHL7):c.553C>G (p.Leu185Val)

Gene: KLHL7 (kelch like family member 7; plus strand). Cytogenetic location: 7p15.3.
Variant type: single nucleotide variant.
Coding change: c.553C>G on transcript NM_001031710.3 (MANE Select); coding-DNA position 553, C replaced by G.
Protein change: p.Leu185Val; replaces leucine 185 with valine.
Molecular consequence: missense variant. On other transcripts: non-coding transcript variant (1).
Genome position (GRCh38, 1-based): chr7:23,140,879, C>G. VCF-style: chr7-23140879-C-G. GRCh37 (hg19) VCF-style: chr7-23180498-C-G.
Other names: c.409C>G, p.Leu137Val (NM_018846.5); short protein forms L137V, L185V.
Identifiers: ClinVar variation 4982848 (VCV004982848.1).

ClinVar aggregate classification (germline): Uncertain significance (1 of 4 stars; one submission).

Conditions:
KLHL7-related disorder. Also called: KLHL7-related condition; KLHL7-related disorders.

Submission:

PreventionGenetics, part of Exact Sciences
Classification: Uncertain significance for KLHL7-related condition. Last evaluated: 2026-05-26. Review status: criteria provided, single submitter. Criteria: ACMG Guidelines, 2015. Collection method: clinical testing. Allele origin: germline.
Comment: The KLHL7 c.553C>G variant is predicted to result in the amino acid substitution p.Leu185Val. To our knowledge, this variant has not been reported in the literature or in a large population database (gnomAD), indicating this variant is rare. At this time, the clinical significance of this variant is uncertain due to the absence of conclusive functional and genetic evidence.